The following is an entry in ClinVar:

ClinVar aggregate classification (germline): Uncertain significance (1 of 4 stars; one submission).

Conditions:
Neuroblastoma, susceptibility to, 3. Also called: ALK-Related Neuroblastic Tumor Susceptibility. Identifiers: Orphanet 635, MedGen C2751681, MONDO:0013083, OMIM 613014.

Submission:

Labcorp Genetics (formerly Invitae), Labcorp
Classification: Uncertain significance for Neuroblastoma, susceptibility to, 3. Last evaluated: 2022-10-04. Review status: criteria provided, single submitter. Criteria: Invitae Variant Classification Sherloc (09022015). Collection method: clinical testing. Allele origin: germline.
Comment: In summary, the available evidence is currently insufficient to determine the role of this variant in disease. Therefore, it has been classified as a Variant of Uncertain Significance. ClinVar contains an entry for this variant (Variation ID: 858561). This variant has not been reported in the literature in individuals affected with ALK-related conditions. This variant is not present in population databases (gnomAD no frequency). This sequence change creates a premature translational stop signal (p.Ser114Hisfs*14) in the ALK gene. It is expected to result in an absent or disrupted protein product. However, the current clinical and genetic evidence is not sufficient to establish whether loss-of-function variants in ALK cause disease.

NM_004304.5(ALK):c.340del (p.Ser114fs)

Gene: ALK (ALK receptor tyrosine kinase; minus strand). Cytogenetic location: 2p23.1.
Variant type: Deletion.
Coding change: c.340del on transcript NM_004304.5 (MANE Select); coding-DNA position 340, one base deleted (T; older notation c.340delT).
Protein change: p.Ser114fs; shifts the reading frame from serine 114.
Molecular consequence: frameshift variant.
Genome position (GRCh38, 1-based): chr2:29,920,320, A deleted on the plus strand (T on the coding strand, the reverse complement: ALK is on the minus strand); the first of 2 consecutive A bases (chr2:29,920,320-29,920,321); deleting either gives the same sequence. VCF-style (leftmost placement, unchanged base first): chr2-29920319-GA-G. GRCh37 (hg19) VCF-style: chr2-30143185-GA-G.
Other names: short protein forms S114fs.
Identifiers: ClinVar variation 858561 (VCV000858561.7), dbSNP rs1667958140, ClinGen allele CA916081308.